The following is an entry in ClinVar:

ClinVar aggregate classification (germline): Uncertain significance (1 of 4 stars; one submission).

gnomAD v4.1: 1 of 1,614,122 alleles (0.000062%); no homozygotes.

Submission:

GeneDx
Classification: Uncertain significance. Last evaluated: 2024-11-05. Review status: criteria provided, single submitter. Criteria: GeneDx Variant Classification Process June 2021. Collection method: clinical testing. Allele origin: germline. Affected: yes.
Comment: Not observed at significant frequency in large population cohorts (gnomAD); In silico analysis indicates that this missense variant does not alter protein structure/function; Has not been previously published as pathogenic or benign to our knowledge

NM_001271.4(CHD2):c.4883A>G (p.Asn1628Ser)

Gene: CHD2 (chromodomain helicase DNA binding protein 2; plus strand). Cytogenetic location: 15q26.1.
Variant type: single nucleotide variant.
Coding change: c.4883A>G on transcript NM_001271.4 (MANE Select); coding-DNA position 4883, A replaced by G.
Protein change: p.Asn1628Ser; replaces asparagine 1628 with serine.
Molecular consequence: missense variant.
Genome position (GRCh38, 1-based): chr15:93,014,886, A>G. VCF-style: chr15-93014886-A-G. GRCh37 (hg19) VCF-style: chr15-93558116-A-G.
Other names: short protein forms N1628S.
Identifiers: ClinVar variation 3897127 (VCV003897127.1).